The following is an entry in ClinVar:

NM_003504.5(CDC45):c.1022G>A (p.Arg341Gln)

Gene: CDC45 (cell division cycle 45; plus strand). Cytogenetic location: 22q11.21.
Variant type: single nucleotide variant.
Coding change: c.1022G>A on transcript NM_003504.5 (MANE Select); coding-DNA position 1022, G replaced by A.
Protein change: p.Arg341Gln; replaces arginine 341 with glutamine.
Molecular consequence: missense variant. On other transcripts: non-coding transcript variant (1).
Genome position (GRCh38, 1-based): chr22:19,507,831, G>A. VCF-style: chr22-19507831-G-A. GRCh37 (hg19) VCF-style: chr22-19495354-G-A.
Other names: c.1118G>A, p.Arg373Gln (NM_001178010.2); c.884G>A, p.Arg295Gln (NM_001178011.2); c.986G>A, p.Arg329Gln (NM_001369291.1); short protein forms R329Q, R373Q, R295Q, R341Q.
Identifiers: ClinVar variation 1917075 (VCV001917075.4), dbSNP rs367893525, ClinGen allele CA10101309.
Genomic context (GRCh38, chr22:19,507,831, plus strand): 5'-CCCTGAAGCAGGTGAAGCAGAAGTTCCAGGCCATGGACATCTCCTTGAAGGAGAATTTGC[G>A]GGAAATGATTGAAGAGTCTGCAAATAAATTTGGGTAAACACACATTTTTCTGGATTTATC-3'
Protein context (NP_003495.1, residues 331-351): AMDISLKENL[Arg341Gln]EMIEESANKF

ClinVar aggregate classification (germline): Uncertain significance (1 of 4 stars; one submission).

Allele frequency attached by ClinVar (database versions not stated): ExAC 0.00002; gnomAD 0.00002; TOPMed 0.00005; ESP Exome Variant Server 0.00008; 1000 Genomes Project 30x 0.00016; 1000 Genomes Project 0.00020.
gnomAD v4.1: 29 of 1,599,656 alleles (0.0018%); highest among the groups gnomAD compares: Admixed American, 0.011%; no homozygotes.

Submission:

Labcorp Genetics (formerly Invitae), Labcorp
Classification: Uncertain significance. Last evaluated: 2024-11-11. Review status: criteria provided, single submitter. Criteria: Invitae Variant Classification Sherloc (09022015). Collection method: clinical testing. Allele origin: germline.
Comment: This sequence change replaces arginine, which is basic and polar, with glutamine, which is neutral and polar, at codon 373 of the CDC45 protein (p.Arg373Gln). This variant is present in population databases (rs367893525, gnomAD 0.007%). This variant has not been reported in the literature in individuals affected with CDC45-related conditions. ClinVar contains an entry for this variant (Variation ID: 1917075). An algorithm developed to predict the effect of missense changes on protein structure and function outputs the following: PolyPhen-2: "Benign". The glutamine amino acid residue is found in multiple mammalian species, which suggests that this missense change does not adversely affect protein function. In summary, the available evidence is currently insufficient to determine the role of this variant in disease. Therefore, it has been classified as a Variant of Uncertain Significance.